The following is an entry in ClinVar:

ClinVar aggregate classification (germline): Uncertain significance (1 of 4 stars; one submission).

Conditions:
Hereditary cancer-predisposing syndrome. Also called: Hereditary neoplastic syndrome; Tumor predisposition; Hereditary Cancer Syndrome; Neoplastic Syndromes, Hereditary. Identifiers: Orphanet 140162, MedGen C0027672, MeSH D009386, MONDO:0015356.

Submission:

Ambry Genetics
Classification: Uncertain significance for Hereditary cancer-predisposing syndrome. Last evaluated: 2023-08-04. Review status: criteria provided, single submitter. Criteria: Ambry Variant Classification Scheme 2023. Collection method: clinical testing. Allele origin: germline.
Comment: The p.P469A variant (also known as c.1405C>G), located in coding exon 8 of the DICER1 gene, results from a C to G substitution at nucleotide position 1405. The proline at codon 469 is replaced by alanine, an amino acid with highly similar properties. This amino acid position is conserved. In addition, this alteration is predicted to be tolerated by in silico analysis. Since supporting evidence is limited at this time, the clinical significance of this alteration remains unclear.

NM_177438.3(DICER1):c.1405C>G (p.Pro469Ala)

Gene: DICER1 (dicer 1, ribonuclease III; minus strand). Cytogenetic location: 14q32.13.
Variant type: single nucleotide variant.
Coding change: c.1405C>G on transcript NM_177438.3 (MANE Select); coding-DNA position 1405, C replaced by G.
Protein change: p.Pro469Ala; replaces proline 469 with alanine.
Molecular consequence: missense variant. On other transcripts: 5 prime UTR variant (1), non-coding transcript variant (6).
Genome position (GRCh38, 1-based): chr14:95,117,726, G>C on the plus strand (C>G on the coding strand, the complement: DICER1 is on the minus strand). VCF-style: chr14-95117726-G-C. GRCh37 (hg19) VCF-style: chr14-95584063-G-C.
Other names: c.1405C>G, p.Pro469Ala (NM_001395681.1, NM_001395682.1, NM_001395683.1 and 13 more transcripts); c.1123C>G, p.Pro375Ala (NM_001395686.1); c.1000C>G, p.Pro334Ala (NM_001395687.1, NM_001395688.1, NM_001395689.1 and 3 more transcripts); c.838C>G, p.Pro280Ala (NM_001395691.1); c.-164C>G (NM_001395697.1); short protein forms P334A, P280A, P375A, P469A.
Identifiers: ClinVar variation 2586416 (VCV002586416.2), dbSNP rs2140138595, ClinGen allele CA390885641.